The following is an entry in ClinVar:

ClinVar aggregate classification (germline): Uncertain significance. Review status: criteria provided, multiple submitters, no conflicts (2 of 4 stars). 2 submissions from 2 submitters: Uncertain significance (2). Last evaluated 2022-05-19.

Conditions:
Inborn genetic diseases. Identifiers: MedGen C0950123, MeSH D030342.
Autosomal recessive mendelian susceptibility to mycobacterial diseases due to complete RORgamma receptor deficiency. Also called: Immunodeficiency 42. Identifiers: Orphanet 477857, MedGen C5567647, MONDO:0014710, OMIM 616622.

Allele frequency attached by ClinVar (database versions not stated): TOPMed 0.00001.
gnomAD v4.1: 19 of 1,612,760 alleles (0.0012%); highest among the groups gnomAD compares: Non-Finnish European, 0.0016%; no homozygotes.

Submissions (2):

Labcorp Genetics (formerly Invitae), Labcorp
Classification: Uncertain significance for Autosomal recessive mendelian susceptibility to mycobacterial diseases due to complete RORgamma receptor deficiency. Last evaluated: 2022-05-19. Review status: criteria provided, single submitter. Criteria: Invitae Variant Classification Sherloc (09022015). Collection method: clinical testing. Allele origin: germline.
Comment: This sequence change replaces arginine, which is basic and polar, with glutamine, which is neutral and polar, at codon 288 of the RORC protein (p.Arg288Gln). This variant is not present in population databases (gnomAD no frequency). This variant has not been reported in the literature in individuals affected with RORC-related conditions. Algorithms developed to predict the effect of missense changes on protein structure and function (SIFT, PolyPhen-2, Align-GVGD) all suggest that this variant is likely to be tolerated. In summary, the available evidence is currently insufficient to determine the role of this variant in disease. Therefore, it has been classified as a Variant of Uncertain Significance.

Ambry Genetics
Classification: Uncertain significance for Inborn genetic diseases. Last evaluated: 2021-12-06. Review status: criteria provided, single submitter. Criteria: Ambry Variant Classification Scheme 2023. Collection method: clinical testing. Allele origin: germline.

NM_005060.4(RORC):c.863G>A (p.Arg288Gln)

Gene: RORC (RAR related orphan receptor C; minus strand). Cytogenetic location: 1q21.3.
Variant type: single nucleotide variant.
Coding change: c.863G>A on transcript NM_005060.4 (MANE Select); coding-DNA position 863, G replaced by A.
Protein change: p.Arg288Gln; replaces arginine 288 with glutamine.
Molecular consequence: missense variant.
Genome position (GRCh38, 1-based): chr1:151,814,644, C>T on the plus strand (G>A on the coding strand, the complement: RORC is on the minus strand). VCF-style: chr1-151814644-C-T. GRCh37 (hg19) VCF-style: chr1-151787120-C-T.
Other names: c.800G>A, p.Arg267Gln (NM_001001523.2); c.863G>A (NM_005060.3); short protein forms R267Q, R288Q.
Identifiers: ClinVar variation 1501341 (VCV001501341.5), dbSNP rs997157586, ClinGen allele CA30497602.